The following is an entry in ClinVar:

ClinVar aggregate classification (germline): Uncertain significance (1 of 4 stars; one submission).

Allele frequency attached by ClinVar (database versions not stated): gnomAD exomes below 0.00001.
gnomAD v4.1: 5 of 1,614,194 alleles (0.00031%); highest among the groups gnomAD compares: Non-Finnish European, 0.00042%; no homozygotes.

Submission:

Labcorp Genetics (formerly Invitae), Labcorp
Classification: Uncertain significance. Last evaluated: 2022-07-21. Review status: criteria provided, single submitter. Criteria: Invitae Variant Classification Sherloc (09022015). Collection method: clinical testing. Allele origin: germline.
Comment: This sequence change replaces valine, which is neutral and non-polar, with methionine, which is neutral and non-polar, at codon 393 of the EIF2B4 protein (p.Val393Met). This variant is not present in population databases (gnomAD no frequency). This variant has not been reported in the literature in individuals affected with EIF2B4-related conditions. Algorithms developed to predict the effect of missense changes on protein structure and function are either unavailable or do not agree on the potential impact of this missense change (SIFT: "Deleterious"; PolyPhen-2: "Benign"; Align-GVGD: "Class C0"). In summary, the available evidence is currently insufficient to determine the role of this variant in disease. Therefore, it has been classified as a Variant of Uncertain Significance.

NM_001034116.2(EIF2B4):c.1180G>A (p.Val394Met)

Genes: EIF2B4 (eukaryotic translation initiation factor 2B subunit delta; minus strand), GTF3C2-AS2 (GTF3C2 antisense RNA 2; plus strand). Cytogenetic location: 2p23.3.
Variant type: single nucleotide variant.
Coding change: c.1180G>A on transcript NM_001034116.2 (MANE Select); coding-DNA position 1180, G replaced by A.
Protein change: p.Val394Met; replaces valine 394 with methionine.
Molecular consequence: missense variant.
Genome position (GRCh38, 1-based): chr2:27,366,770, C>T on the plus strand (G>A on the coding strand, the complement: EIF2B4 is on the minus strand). VCF-style: chr2-27366770-C-T. GRCh37 (hg19) VCF-style: chr2-27589637-C-T.
Other names: c.1243G>A, p.Val415Met (NM_001318965.2); c.1135G>A, p.Val379Met (NM_001318966.2); c.1087G>A, p.Val363Met (NM_001318967.2); c.595G>A, p.Val199Met (NM_001318968.2); c.562G>A, p.Val188Met (NM_001318969.2); c.1177G>A, p.Val393Met (NM_015636.4); c.1240G>A, p.Val414Met (NM_172195.4); short protein forms V188M, V199M, V363M, V379M, V394M, V414M, V393M, V415M.
Identifiers: ClinVar variation 2037874 (VCV002037874.1), dbSNP rs2465503839, ClinGen allele CA346197475.